The following is an entry in ClinVar:

ClinVar aggregate classification (germline): Pathogenic/Likely pathogenic. Review status: criteria provided, multiple submitters, no conflicts (2 of 4 stars). 8 submissions from 8 submitters: Pathogenic (3); Likely pathogenic (4). 1 of the submissions does not count toward it. Last evaluated 2025-09-10.

Conditions:
Hereditary spastic paraplegia 44. Also called: SPASTIC PARAPLEGIA 44, AUTOSOMAL RECESSIVE. Identifiers: Orphanet 320401, MedGen C2750784, MONDO:0013179, OMIM 613206.
Spastic paraplegia. Identifiers: MedGen C0037772, HP:0001258.
Leukodystrophy, hypomyelinating, 2. Also called: PELIZAEUS-MERZBACHER-LIKE DISEASE, 1. Identifiers: Orphanet 280270, Orphanet 280282, MedGen C1837355, MONDO:0012125, OMIM 608804.
Lymphatic malformation 3 (LMPHM3). Identifiers: Orphanet 79452, MedGen C4747646, MONDO:0013278, OMIM 613480.
GJC2-related disorder. Also called: GJC2-related condition; GJC2-related disorders. Identifiers: MedGen CN230087.

Submissions (8):

Genomic Medicine Center of Excellence, King Faisal Specialist Hospital and Research Centre
Classification: Pathogenic for Lymphatic malformation 3. Last evaluated: 2025-09-10. Review status: criteria provided, single submitter. Criteria: ACMG Guidelines, 2015. Collection method: clinical testing. Allele origin: germline.

Dasa
Classification: Likely pathogenic. Last evaluated: 2025-04-12. Review status: criteria provided, single submitter. Criteria: DASA Assertion Criteria. Collection method: clinical testing. Allele origin: germline.
Comment: NM_020435.4(GJC2):c.1134_1144del (p.Ala379Glyfs*109) is a frameshift variant in GJC2 predicted to alter the reading frame and introduce a premature termination codon and is predicted to result in an absent or altered protein product. Loss of function is an established disease mechanism for GJC2-associated disorders. This variant has been reported in individuals with GJC2-related disorders (PMID: 34055681). Also, this variant is rare in population databases. Based on the currently available evidence, this variant is classified as likely pathogenic.

Labcorp Genetics (formerly Invitae), Labcorp
Classification: Pathogenic for Spastic paraplegia. Last evaluated: 2022-11-15. Review status: criteria provided, single submitter. Criteria: Invitae Variant Classification Sherloc (09022015). Collection method: clinical testing. Allele origin: germline.
Comment: ClinVar contains an entry for this variant (Variation ID: 656694). This variant disrupts a region of the GJC2 protein in which other variant(s) (p.Gly433Argfs*59) have been determined to be pathogenic (PMID: 27057822). This suggests that this is a clinically significant region of the protein, and that variants that disrupt it are likely to be disease-causing. For these reasons, this variant has been classified as Pathogenic. This variant is not present in population databases (gnomAD no frequency). This frameshift has been observed in individual(s) with clinical features of Pelizaeus-Merzbacher disease (PMID: 34055681). This sequence change results in a frameshift in the GJC2 gene (p.Ala379Glyfs*109). While this is not anticipated to result in nonsense mediated decay, it is expected to disrupt the last 61 amino acid(s) of the GJC2 protein and extend the protein by 47 additional amino acid residues.

Laboratorio de Genetica e Diagnostico Molecular, Hospital Israelita Albert Einstein
Classification: Likely pathogenic for Leukodystrophy, hypomyelinating, 2. Last evaluated: 2021-12-16. Review status: criteria provided, single submitter. Criteria: ACMG Guidelines, 2015. Collection method: clinical testing. Allele origin: germline. Affected: yes.
Comment: ACMG classification criteria: PS4 supporting, PM2 moderate, PM4 strong

Molecular Diagnostics Lab, Nemours Children's Health, Delaware
Classification: Likely pathogenic for Leukodystrophy, hypomyelinating, 2. Last evaluated: 2021-02-11. Review status: criteria provided, single submitter. Criteria: ACMG Guidelines, 2015. Collection method: clinical testing. Allele origin: unknown. Inheritance: Autosomal recessive inheritance. Affected: yes. Observed: 1 homozygote.
Comment: This variant (c.1134_1144del, p.ALa379Glyfs*109) predicts a framshift to a premature stop. It has not been observed in populations databases (gnomAD). Although it has been reported in the literature (PMID 27057822), no functional studies have been published.

Mendelics
Classification: Likely pathogenic for Leukodystrophy, hypomyelinating, 2. Last evaluated: 2019-05-28. Review status: criteria provided, single submitter. Criteria: Mendelics Assertion Criteria 2017. Collection method: clinical testing. Allele origin: unknown.

Baylor Genetics
Classification: Pathogenic for Hereditary spastic paraplegia 44. Last evaluated: 2018-02-08. Review status: criteria provided, single submitter. Criteria: ACMG Guidelines, 2015. Collection method: clinical testing. Allele origin: maternal. Affected: yes.
Comment: This variant was determined to be pathogenic according to ACMG Guidelines, 2015 [PMID:25741868].

PreventionGenetics, part of Exact Sciences
Classification: Likely pathogenic for GJC2-related condition. Last evaluated: 2024-05-10. Review status: no assertion criteria provided. Collection method: clinical testing. Allele origin: germline. Not counted in ClinVar's aggregate classification.
Comment: The GJC2 c.1134_1144del11 variant is predicted to result in a frameshift and premature protein termination (p.Ala379Glyfs*109). This variant was reported in the homozygous state in three individuals with Pelizaeus-Merzbacher-Like Disease (PMLD) (Alfadhel et al. 2021. PubMed ID: 34055681) and in the heterozygous state in a fetus that underwent genetic testing for central nervous system anomalies (Yang. 2022. PubMed ID: 35562572). This variant has not been reported in gnomAD, indicating this variant is rare. This variant has been interpreted as pathogenic and likely pathogenic in ClinVar. At this time, this variant is interpreted as likely pathogenic.

Literature cited by the submitters: PubMed 34055681 (cited by Dasa and Labcorp Genetics (formerly Invitae), Labcorp); PubMed 27057822 (cited by Labcorp Genetics (formerly Invitae), Labcorp and Molecular Diagnostics Lab, Nemours Children's Health, Delaware).

NM_020435.4(GJC2):c.1134_1144del (p.Ala379fs)

Gene: GJC2 (gap junction protein gamma 2; plus strand). Cytogenetic location: 1q42.13.
Variant type: Deletion.
Coding change: c.1134_1144del on transcript NM_020435.4 (MANE Select); coding-DNA positions 1134 to 1144, 11 bases deleted (TGCGGCCTCCC).
Protein change: p.Ala379fs; shifts the reading frame from alanine 379.
Molecular consequence: frameshift variant.
Genome position (GRCh38, 1-based): chr1:228,158,892-228,158,902, TGCGGCCTCCC deleted; deleting any 11 consecutive bases within chr1:228,158,883-228,158,902 gives the same sequence; the c. name uses the placement nearest the transcript's 3' end. VCF-style (leftmost placement, unchanged base first): chr1-228158882-TCGGCCTCCCTG-T. GRCh37 (hg19) VCF-style: chr1-228346583-TCGGCCTCCCTG-T.
Other names: c.1134_1144del (NM_020435.3); c.1134_1144del11 (NM_020435.3); short protein forms A379fs.
Identifiers: ClinVar variation 656694 (VCV000656694.18), dbSNP rs1571908452, ClinGen allele CA915942048.